The following is an entry in ClinVar:

NM_201384.3(PLEC):c.6388C>G (p.Gln2130Glu)

Gene: PLEC (plectin; minus strand). Cytogenetic location: 8q24.3.
Variant type: single nucleotide variant.
Coding change: c.6388C>G on transcript NM_201384.3 (MANE Select); coding-DNA position 6388, C replaced by G.
Protein change: p.Gln2130Glu; replaces glutamine 2130 with glutamic acid.
Molecular consequence: missense variant. On other transcripts: intron variant (1).
Genome position (GRCh38, 1-based): chr8:143,923,541, G>C on the plus strand (C>G on the coding strand, the complement: PLEC is on the minus strand). VCF-style: chr8-143923541-G-C. GRCh37 (hg19) VCF-style: chr8-144997709-G-C.
Other names: c.6346C>G, p.Gln2116Glu (NM_201378.4); c.6322C>G, p.Gln2108Glu (NM_201379.3); c.6799C>G, p.Gln2267Glu (NM_201380.4); c.6292C>G, p.Gln2098Glu (NM_201381.3); c.6388C>G, p.Gln2130Glu (NM_201382.4); c.6400C>G, p.Gln2134Glu (NM_201383.3); c.4126-1146C>G (NM_001410941.1); c.6469C>G, p.Gln2157Glu (NM_000445.5); short protein forms Q2098E, Q2267E, Q2116E, Q2108E, Q2130E, Q2134E, Q2157E.
Identifiers: ClinVar variation 2943778 (VCV002943778.3), dbSNP rs781823434, ClinGen allele CA372534899.

ClinVar aggregate classification (germline): Uncertain significance (1 of 4 stars; one submission).

Conditions:
Epidermolysis bullosa simplex with nail dystrophy (EBS5D). Identifiers: MedGen C4225309, MONDO:0014661, OMIM 616487.
Epidermolysis bullosa simplex, Ogna type (EBS5A). Also called: Pidermolysis bullosa simplex 5A, Ogna type; EPIDERMOLYSIS BULLOSA SIMPLEX 5A, OGNA TYPE. Identifiers: Orphanet 79401, MedGen C0432317, MONDO:0007555, OMIM 131950.
Autosomal recessive limb-girdle muscular dystrophy type 2Q (LGMDR17). Also called: MUSCULAR DYSTROPHY, LIMB-GIRDLE, AUTOSOMAL RECESSIVE 17. Identifiers: Orphanet 254361, MedGen C3150989, MONDO:0013390, OMIM 613723.
Epidermolysis bullosa simplex 5B, with muscular dystrophy (EBS5B). Also called: EPIDERMOLYSIS BULLOSA SIMPLEX AND LIMB-GIRDLE MUSCULAR DYSTROPHY; Epidermolysis bullosa simplex with muscular dystrophy. Identifiers: Orphanet 257, MedGen C2931072, MONDO:0009181, OMIM 226670.
Epidermolysis bullosa simplex 5C, with pyloric atresia (EBS5C). Also called: PLEC-Related Epidermolysis Bullosa with Pyloric Atresia; Epidermolysis bullosa simplex with pyloric atresia; PLEC1-Related Epidermolysis Bullosa with Pyloric Atresia. Identifiers: Orphanet 158684, MedGen C2677349, MONDO:0012807, OMIM 612138.

Allele frequency attached by ClinVar (database versions not stated): gnomAD exomes below 0.00001.
gnomAD v4.1: 1 of 1,598,946 alleles (0.000063%); highest among the groups gnomAD compares: Non-Finnish European, 0.000085%; no homozygotes.

Submission:

Labcorp Genetics (formerly Invitae), Labcorp
Classification: Uncertain significance for Autosomal recessive limb-girdle muscular dystrophy type 2Q; Epidermolysis bullosa simplex, Ogna type; Epidermolysis bullosa simplex with nail dystrophy; Epidermolysis bullosa simplex 5C, with pyloric atresia; Epidermolysis bullosa simplex 5B, with muscular dystrophy. Last evaluated: 2023-01-31. Review status: criteria provided, single submitter. Criteria: Invitae Variant Classification Sherloc (09022015). Collection method: clinical testing. Allele origin: germline.
Comment: In summary, the available evidence is currently insufficient to determine the role of this variant in disease. Therefore, it has been classified as a Variant of Uncertain Significance. Algorithms developed to predict the effect of missense changes on protein structure and function output the following: SIFT: "Tolerated"; PolyPhen-2: "Benign"; Align-GVGD: "Class C0". The glutamic acid amino acid residue is found in multiple mammalian species, which suggests that this missense change does not adversely affect protein function. This variant has not been reported in the literature in individuals affected with PLEC-related conditions. This variant is not present in population databases (gnomAD no frequency). This sequence change replaces glutamine, which is neutral and polar, with glutamic acid, which is acidic and polar, at codon 2157 of the PLEC protein (p.Gln2157Glu).